The following is an entry in ClinVar:

ClinVar aggregate classification (germline): Uncertain significance. Review status: criteria provided, multiple submitters, no conflicts (2 of 4 stars). 2 submissions from 2 submitters: Uncertain significance (2). Last evaluated 2026-02-11.

Conditions:
GLYCTK-related disorder. Also called: GLYCTK-related condition.

Allele frequency attached by ClinVar (database versions not stated): ExAC 0.00001; gnomAD 0.00001; gnomAD exomes 0.00001; TOPMed 0.00002.

Submissions (2):

GeneDx
Classification: Uncertain significance. Last evaluated: 2026-02-11. Review status: criteria provided, single submitter. Criteria: GeneDx Variant Classification Process June 2021. Collection method: clinical testing. Allele origin: germline.
Comment: In silico analysis supports that this missense variant has a deleterious effect on protein structure/function; Has not been previously published as pathogenic or benign to our knowledge

PreventionGenetics, part of Exact Sciences
Classification: Uncertain significance for GLYCTK-related condition. Last evaluated: 2022-11-04. Review status: criteria provided, single submitter. Criteria: ACMG Guidelines, 2015. Collection method: clinical testing. Allele origin: germline.
Comment: The GLYCTK c.1265G>A variant is predicted to result in the amino acid substitution p.Arg422Gln. To our knowledge, this variant has not been reported in the literature. This variant is reported in 0.0040% of alleles in individuals of African descent in gnomAD. At this time, the clinical significance of this variant is uncertain due to the absence of conclusive functional and genetic evidence.

NM_145262.4(GLYCTK):c.1265G>A (p.Arg422Gln)

Gene: GLYCTK (glycerate kinase; plus strand). Cytogenetic location: 3p21.2.
Variant type: single nucleotide variant.
Coding change: c.1265G>A on transcript NM_145262.4 (MANE Select); coding-DNA position 1265, G replaced by A.
Protein change: p.Arg422Gln; replaces arginine 422 with glutamine.
Molecular consequence: missense variant. On other transcripts: 3 prime UTR variant (1), non-coding transcript variant (2).
Genome position (GRCh38, 1-based): chr3:52,292,819, G>A. VCF-style: chr3-52292819-G-A. GRCh37 (hg19) VCF-style: chr3-52326835-G-A.
Other names: c.*384G>A (NM_001144951.2); short protein forms R422Q.
Identifiers: ClinVar variation 2636314 (VCV002636314.2), dbSNP rs769693391, ClinGen allele CA2432284.